The following is an entry in ClinVar:

NM_020529.3(NFKBIA):c.19C>T (p.Arg7Cys)

Genes: NFKBIA (NFKB inhibitor alpha; minus strand), LOC130055497 (ATAC-STARR-seq lymphoblastoid silent region 5676; plus strand). Cytogenetic location: 14q13.2.
Variant type: single nucleotide variant.
Coding change: c.19C>T on transcript NM_020529.3 (MANE Select); coding-DNA position 19, C replaced by T.
Protein change: p.Arg7Cys; replaces arginine 7 with cysteine.
Molecular consequence: missense variant.
Genome position (GRCh38, 1-based): chr14:35,404,626, G>A on the plus strand (C>T on the coding strand, the complement: NFKBIA is on the minus strand). VCF-style: chr14-35404626-G-A. GRCh37 (hg19) VCF-style: chr14-35873832-G-A.
Other names: short protein forms R7C.
Identifiers: ClinVar variation 2169347 (VCV002169347.4), dbSNP rs1292103605, ClinGen allele CA389455492.
Genomic context (GRCh38, chr14:35,404,626, plus strand): 5'-CCAGTAGCCGCTCCTTCTTCAGCCCGTCGCGGGGGCCCTCCATGGCCCACTCCTGGGGGC[G>A]CTCGGCCGCCTGGAACATGGCGCGGACGAGCTGCGGGCGCTGCTGCGGGTGCGCTGGGCC-3'
Protein context (NP_065390.1, residues 1-17): MFQAAE[Arg7Cys]PQEWAMEGPR

ClinVar aggregate classification (germline): Uncertain significance (1 of 4 stars; one submission).

Conditions:
Ectodermal dysplasia and immunodeficiency 2. Identifiers: Orphanet 238468, Orphanet 98813, MedGen C2677481, MONDO:0012806, OMIM 612132.

Allele frequency attached by ClinVar (database versions not stated): TOPMed below 0.00001; gnomAD 0.00001; gnomAD exomes 0.00001.

Submission:

Labcorp Genetics (formerly Invitae), Labcorp
Classification: Uncertain significance for Ectodermal dysplasia and immunodeficiency 2. Last evaluated: 2025-10-19. Review status: criteria provided, single submitter. Criteria: Invitae Variant Classification Sherloc (09022015). Collection method: clinical testing. Allele origin: germline.
Comment: This sequence change replaces arginine, which is basic and polar, with cysteine, which is neutral and slightly polar, at codon 7 of the NFKBIA protein (p.Arg7Cys). The frequency data for this variant in the population databases is considered unreliable, as metrics indicate poor data quality at this position in the gnomAD database. This variant has not been reported in the literature in individuals affected with NFKBIA-related conditions. ClinVar contains an entry for this variant (Variation ID: 2169347). An algorithm developed to predict the effect of missense changes on protein structure and function (PolyPhen-2) suggests that this variant is likely to be tolerated. In summary, the available evidence is currently insufficient to determine the role of this variant in disease. Therefore, it has been classified as a Variant of Uncertain Significance.